The following is an entry in ClinVar:

NM_032444.4(SLX4):c.4871C>T (p.Pro1624Leu)

Gene: SLX4 (SLX4 structure-specific endonuclease subunit; minus strand). Cytogenetic location: 16p13.3.
Variant type: single nucleotide variant.
Coding change: c.4871C>T on transcript NM_032444.4 (MANE Select); coding-DNA position 4871, C replaced by T.
Protein change: p.Pro1624Leu; replaces proline 1624 with leucine.
Molecular consequence: missense variant.
Genome position (GRCh38, 1-based): chr16:3,583,379, G>A on the plus strand (C>T on the coding strand, the complement: SLX4 is on the minus strand). VCF-style: chr16-3583379-G-A. GRCh37 (hg19) VCF-style: chr16-3633380-G-A.
Other names: short protein forms P1624L.
Identifiers: ClinVar variation 1477344 (VCV001477344.10), dbSNP rs751763192, ClinGen allele CA7865483.
Genomic context (GRCh38, chr16:3,583,379, plus strand): 5'-TGGGCATGGACCCCTGCCCTTGAAGGCTTGTAGGTCTGGGAGGCGAGGGTCTGGCAGTGA[G>A]GCGCCTGCAACAGCGGCTGTGAGGACTGGCTCTCGTCCTCGGAGTCTGAGTCCAGGGTCT-3'
Protein context (NP_115820.2, residues 1614-1634): SQSSQPLLQA[Pro1624Leu]HCQTLASQTY

ClinVar aggregate classification (germline): Uncertain significance. Review status: criteria provided, multiple submitters, no conflicts (2 of 4 stars). 3 submissions from 3 submitters: Uncertain significance (3). Last evaluated 2026-01-19.

Conditions:
Fanconi anemia (FA). Also called: Fanconi's anemia. Identifiers: Orphanet 84, MedGen C0015625, MeSH D005199, MONDO:0019391.
Fanconi anemia complementation group P. Also called: SLX4-Related Fanconi Anemia. Identifiers: Orphanet 84, MedGen C3469542, MONDO:0013499, OMIM 613951.

Allele frequency attached by ClinVar (database versions not stated): gnomAD exomes 0.00001 and 0.00002; ExAC 0.00002; TOPMed 0.00002; gnomAD 0.00003 and 0.00004.
gnomAD v4.1: 24 of 1,613,052 alleles (0.0015%); highest among the groups gnomAD compares: Non-Finnish European, 0.002%; no homozygotes.

Submissions (3):

Labcorp Genetics (formerly Invitae), Labcorp
Classification: Uncertain significance for Fanconi anemia. Last evaluated: 2026-01-19. Review status: criteria provided, single submitter. Criteria: Invitae Variant Classification Sherloc (09022015). Collection method: clinical testing. Allele origin: germline.
Comment: This sequence change replaces proline, which is neutral and non-polar, with leucine, which is neutral and non-polar, at codon 1624 of the SLX4 protein (p.Pro1624Leu). This variant is present in population databases (rs751763192, gnomAD 0.006%). This variant has not been reported in the literature in individuals affected with SLX4-related conditions. ClinVar contains an entry for this variant (Variation ID: 1477344). An algorithm developed to predict the effect of missense changes on protein structure and function (PolyPhen-2) suggests that this variant is likely to be tolerated. In summary, the available evidence is currently insufficient to determine the role of this variant in disease. Therefore, it has been classified as a Variant of Uncertain Significance.

Blueprint Genetics
Classification: Uncertain significance. Last evaluated: 2024-09-03. Review status: criteria provided, single submitter. Criteria: ACMG Guidelines, 2015. Collection method: clinical testing. Allele origin: germline.

Fulgent Genetics
Classification: Uncertain significance for Fanconi anemia complementation group P. Last evaluated: 2021-09-16. Review status: criteria provided, single submitter. Criteria: ACMG Guidelines, 2015. Collection method: clinical testing. Allele origin: unknown.